The following is an entry in ClinVar:

ClinVar aggregate classification (germline): Uncertain significance (1 of 4 stars; one submission).

Conditions:
Congenital contractural arachnodactyly (CCA). Also called: BEALS SYNDROME; Beals-Hecht syndrome; Arthrogryposis, distal, type 9. Identifiers: Orphanet 115, MedGen C0220668, MONDO:0007363, OMIM 121050.

Allele frequency attached by ClinVar (database versions not stated): gnomAD exomes 0.00001; ExAC 0.00002.
gnomAD v4.1: 5 of 1,614,098 alleles (0.00031%); highest among the groups gnomAD compares: South Asian, 0.0055%; no homozygotes.

Submission:

Neuberg Centre For Genomic Medicine, NCGM
Classification: Uncertain significance for Congenital contractural arachnodactyly. Review status: criteria provided, single submitter. Criteria: ACMG Guidelines, 2015. Collection method: clinical testing. Allele origin: germline. Inheritance: Autosomal dominant inheritance. Affected: yes.
Comment: The missense c.7009G>A p.Val2337Ile variant in the FBN2 gene has not been reported previously as a pathogenic variant nor as a benign variant, to our knowledge. This variant is reported with the allele frequency 0.001% in the gnomAD Exomes and novel in 1000 Genomes. The amino acid Valine at position 2337 is changed to a Isoleucine changing protein sequence and it might alter its composition and physico-chemical properties. The amino acid change p.Val2337Ile in FBN2 is predicted as conserved by GERP++ and PhyloP across 100 vertebrates. For these reasons, this variant has been classified as Uncertain Significance.

NM_001999.4(FBN2):c.7009G>A (p.Val2337Ile)

Gene: FBN2 (fibrillin 2; minus strand). Cytogenetic location: 5q23.3.
Variant type: single nucleotide variant.
Coding change: c.7009G>A on transcript NM_001999.4 (MANE Select); coding-DNA position 7009, G replaced by A.
Protein change: p.Val2337Ile; replaces valine 2337 with isoleucine.
Molecular consequence: missense variant.
Genome position (GRCh38, 1-based): chr5:128,286,721, C>T on the plus strand (G>A on the coding strand, the complement: FBN2 is on the minus strand). VCF-style: chr5-128286721-C-T. GRCh37 (hg19) VCF-style: chr5-127622413-C-T.
Other names: short protein forms V2337I.
Identifiers: ClinVar variation 3234859 (VCV003234859.1), dbSNP rs773347210, ClinGen allele CA3394249.